The following is an entry in ClinVar:

NM_004415.4(DSP):c.4428C>A (p.Ile1476=)

Gene: DSP (desmoplakin; plus strand). Cytogenetic location: 6p24.3.
Variant type: single nucleotide variant.
Coding change: c.4428C>A on transcript NM_004415.4 (MANE Select); coding-DNA position 4428, C replaced by A.
Protein change: p.Ile1476=; no amino-acid change (isoleucine 1476 retained).
Molecular consequence: synonymous variant. On other transcripts: intron variant (2).
Genome position (GRCh38, 1-based): chr6:7,580,618, C>A. VCF-style: chr6-7580618-C-A. GRCh37 (hg19) VCF-style: chr6-7580851-C-A.
Other names: c.4050+378C>A (NM_001319034.2); c.3582+846C>A (NM_001008844.3).
Identifiers: ClinVar variation 3075089 (VCV003075089.3), dbSNP rs754071010, ClinGen allele CA448714964.

ClinVar aggregate classification (germline): Likely benign. Review status: criteria provided, multiple submitters, no conflicts (2 of 4 stars). 2 submissions from 2 submitters: Likely benign (2). Last evaluated 2024-10-15.

Conditions:
Arrhythmogenic right ventricular dysplasia 8 (ARVD8). Also called: ARRHYTHMOGENIC RIGHT VENTRICULAR DYSPLASIA, FAMILIAL, 8; ARRHYTHMOGENIC RIGHT VENTRICULAR CARDIOMYOPATHY 8; Arrhythmogenic Right Ventricular Dysplasia/Cardiomyopathy 8. Identifiers: MedGen C1843896, MONDO:0011831, OMIM 607450.
Arrhythmogenic cardiomyopathy with wooly hair and keratoderma. Also called: PALMOPLANTAR KERATODERMA WITH LEFT VENTRICULAR CARDIOMYOPATHY AND WOOLLY HAIR; Carvajal syndrome; Dilated cardiomyopathy with woolly hair and keratoderma; Arrhythmogenic cardiomyopathy with woolly hair and keratoderma. Identifiers: Orphanet 65282, MedGen C1854063, MONDO:0011581, OMIM 605676.

Submissions (2):

Labcorp Genetics (formerly Invitae), Labcorp
Classification: Likely benign for Arrhythmogenic cardiomyopathy with wooly hair and keratoderma; Arrhythmogenic right ventricular dysplasia 8. Last evaluated: 2024-10-15. Review status: criteria provided, single submitter. Criteria: Invitae Variant Classification Sherloc (09022015). Collection method: clinical testing. Allele origin: germline.

All of Us Research Program, National Institutes of Health
Classification: Likely benign for Arrhythmogenic cardiomyopathy with wooly hair and keratoderma. Last evaluated: 2023-12-18. Review status: criteria provided, single submitter. Criteria: ACMG Guidelines, 2015. Collection method: clinical testing. Allele origin: germline. Inheritance: Autosomal dominant inheritance. Observed: 1 variant allele, 1 heterozygote.
Comment: This study involves interpretation of variants in research participants for the purpose of population health screening. Participant phenotype was not available at the time of variant classification. Additional details can be found in publication PMID: 35346344, PMCID: PMC8962531